The following is an entry in ClinVar:

NM_005630.3(SLCO2A1):c.943T>C (p.Phe315Leu)

Gene: SLCO2A1 (solute carrier organic anion transporter family member 2A1; minus strand). Cytogenetic location: 3q22.1.
Variant type: single nucleotide variant.
Coding change: c.943T>C on transcript NM_005630.3 (MANE Select); coding-DNA position 943, T replaced by C.
Protein change: p.Phe315Leu; replaces phenylalanine 315 with leucine.
Molecular consequence: missense variant.
Genome position (GRCh38, 1-based): chr3:133,948,698, A>G on the plus strand (T>C on the coding strand, the complement: SLCO2A1 is on the minus strand). VCF-style: chr3-133948698-A-G. GRCh37 (hg19) VCF-style: chr3-133667542-A-G.
Other names: c.943T>C (NM_005630.2); short protein forms F315L.
Identifiers: ClinVar variation 2003662 (VCV002003662.2), dbSNP rs759064556, ClinGen allele CA2626605.

ClinVar aggregate classification (germline): Uncertain significance. Review status: criteria provided, multiple submitters, no conflicts (2 of 4 stars). 2 submissions from 2 submitters: Uncertain significance (2). Last evaluated 2025-01-22.

Conditions:
Inborn genetic diseases. Identifiers: MedGen C0950123, MeSH D030342.

Allele frequency attached by ClinVar (database versions not stated): gnomAD 0.00002; gnomAD exomes 0.00003; ExAC 0.00008; TOPMed 0.00009.
gnomAD v4.1: 40 of 1,612,890 alleles (0.0025%); highest among the groups gnomAD compares: Admixed American, 0.067%; no homozygotes.

Submissions (2):

Ambry Genetics
Classification: Uncertain significance for Inborn genetic diseases. Last evaluated: 2025-01-22. Review status: criteria provided, single submitter. Criteria: Ambry Variant Classification Scheme 2023. Collection method: clinical testing. Allele origin: germline.

Labcorp Genetics (formerly Invitae), Labcorp
Classification: Uncertain significance. Last evaluated: 2022-08-22. Review status: criteria provided, single submitter. Criteria: Invitae Variant Classification Sherloc (09022015). Collection method: clinical testing. Allele origin: germline.
Comment: This sequence change replaces phenylalanine, which is neutral and non-polar, with leucine, which is neutral and non-polar, at codon 315 of the SLCO2A1 protein (p.Phe315Leu). This variant is present in population databases (rs759064556, gnomAD 0.09%). This variant has not been reported in the literature in individuals affected with SLCO2A1-related conditions. Algorithms developed to predict the effect of missense changes on protein structure and function are either unavailable or do not agree on the potential impact of this missense change (SIFT: "Deleterious"; PolyPhen-2: "Probably Damaging"; Align-GVGD: "Class C15"). In summary, the available evidence is currently insufficient to determine the role of this variant in disease. Therefore, it has been classified as a Variant of Uncertain Significance.